The following is an entry in ClinVar:

ClinVar aggregate classification (germline): Pathogenic/Likely pathogenic. Review status: criteria provided, multiple submitters, no conflicts (2 of 4 stars). 3 submissions from 3 submitters: Pathogenic (1); Likely pathogenic (1). 1 of the submissions does not count toward it. Last evaluated 2023-06-14.

Conditions:
Hereditary diffuse gastric adenocarcinoma (HDGC). Also called: DIFFUSE GASTRIC AND LOBULAR BREAST CANCER SYNDROME. Identifiers: Orphanet 26106, MedGen C1708349, MONDO:0007648, OMIM 137215.

Submissions (3):

Myriad Genetics, Inc.
Classification: Likely pathogenic for Hereditary diffuse gastric adenocarcinoma. Last evaluated: 2023-06-14. Review status: criteria provided, single submitter. Criteria: Myriad Autosomal Dominant, Autosomal Recessive and X-Linked Classification Criteria (2023). Collection method: clinical testing. Allele origin: unknown.
Comment: This variant is considered likely pathogenic. This variant occurs within a consensus splice junction and is predicted to result in abnormal mRNA splicing of either an out-of-frame exon or an in-frame exon necessary for protein stability and/or normal function.

Labcorp Genetics (formerly Invitae), Labcorp
Classification: Pathogenic for Hereditary diffuse gastric adenocarcinoma. Last evaluated: 2020-01-31. Review status: criteria provided, single submitter. Criteria: Invitae Variant Classification Sherloc (09022015). Collection method: clinical testing. Allele origin: germline.
Comment: For these reasons, this variant has been classified as Pathogenic. Loss-of-function variants in CDH1 are known to be pathogenic (PMID: 15235021, 20373070). This variant has been observed in individual(s) with diffuse gastric cancer (PMID: 9751616, 11419427). It has also been observed to segregate with disease in related individuals. This variant is also known as 1711insG in the literature. ClinVar contains an entry for this variant (Variation ID: 12242). This variant is not present in population databases (ExAC no frequency). This sequence change creates a premature translational stop signal (p.Ser572Phefs*16) in the CDH1 gene. It is expected to result in an absent or disrupted protein product.

OMIM
Classification: Pathogenic for DIFFUSE GASTRIC AND LOBULAR BREAST CANCER SYNDROME. Last evaluated: 2001-06-21. Review status: no assertion criteria provided. Collection method: literature only. Allele origin: germline. Not counted in ClinVar's aggregate classification.

Literature cited by the submitters: PubMed 15235021 (cited by Labcorp Genetics (formerly Invitae), Labcorp); PubMed 20373070 (cited by Labcorp Genetics (formerly Invitae), Labcorp); PubMed 9751616 (cited by Labcorp Genetics (formerly Invitae), Labcorp and OMIM); PubMed 11419427 (cited by Labcorp Genetics (formerly Invitae), Labcorp and OMIM).

NM_004360.5(CDH1):c.1711+1dup

Gene: CDH1 (cadherin 1; plus strand). Cytogenetic location: 16q22.1.
Variant type: Duplication.
Coding change: c.1711+1dup on transcript NM_004360.5 (MANE Select); the canonical splice donor site of the intron after coding-DNA position 1711, one base duplicated (G; older notation c.1711+1dupG).
Molecular consequence: splice donor variant. On other transcripts: intron variant (1).
Genome position (GRCh38, 1-based): chr16:68,819,426, G duplicated; the last of 2 consecutive G bases (chr16:68,819,425-68,819,426); duplicating either gives the same sequence. VCF-style (leftmost placement, unchanged base first): chr16-68819424-T-TG. GRCh37 (hg19) VCF-style: chr16-68853327-T-TG.
Other names: 1-BP INS, 1711G; c.163+1dup (NM_001317185.2); c.-254-2575dup (NM_001317186.2); c.1528+1dup (NM_001317184.2).
Identifiers: ClinVar variation 1072002 (VCV001072002.13), dbSNP rs2152137028, ClinGen allele CA913184843.